The following is an entry in ClinVar:

NM_000334.4(SCN4A):c.5106G>C (p.Glu1702Asp)

Genes: SCN4A (sodium voltage-gated channel alpha subunit 4; minus strand), GH-LCR (growth hormone locus control region; plus strand). Cytogenetic location: 17q23.3.
Variant type: single nucleotide variant.
Coding change: c.5106G>C on transcript NM_000334.4 (MANE Select); coding-DNA position 5106, G replaced by C.
Protein change: p.Glu1702Asp; replaces glutamic acid 1702 with aspartic acid.
Molecular consequence: missense variant.
Genome position (GRCh38, 1-based): chr17:63,941,176, C>G on the plus strand (G>C on the coding strand, the complement: SCN4A is on the minus strand). VCF-style: chr17-63941176-C-G. GRCh37 (hg19) VCF-style: chr17-62018536-C-G.
Other names: short protein forms E1702D.
Identifiers: ClinVar variation 3621506 (VCV003621506.3).

ClinVar aggregate classification (germline): Conflicting classifications of pathogenicity. Review status: criteria provided, conflicting classifications (1 of 4 stars). 2 submissions from 2 submitters: Likely pathogenic (1); Uncertain significance (1). Last evaluated 2026-08-28.

Conditions:
Skeletal muscle channelopathy.
Hyperkalemic periodic paralysis. Also called: Gamstorp disease; Familial hyperkalemic periodic paralysis. Identifiers: Orphanet 682, MedGen C0238357, MONDO:0008224, OMIM 170500, HP:0007215.

Submissions (2):

Genetics Laboratory, Great Ormond Street Hospital NHS Foundation Trust, North Thames Genomic Laboratory Hub
Classification: Likely pathogenic for Skeletal muscle channelopathy. Last evaluated: 2026-08-28. Review status: criteria provided, single submitter. Criteria: ACGS Best Practice Guidelines for Variant Classification in Rare Disease 2024 v1.2. Collection method: clinical testing. Allele origin: germline. Affected: yes.
Comment: PS4_moderate, PM2_moderate, PM5_moderate, PP1_moderate

Labcorp Genetics (formerly Invitae), Labcorp
Classification: Uncertain significance for Hyperkalemic periodic paralysis. Last evaluated: 2024-06-09. Review status: criteria provided, single submitter. Criteria: Invitae Variant Classification Sherloc (09022015). Collection method: clinical testing. Allele origin: germline.
Comment: This sequence change replaces glutamic acid, which is acidic and polar, with aspartic acid, which is acidic and polar, at codon 1702 of the SCN4A protein (p.Glu1702Asp). This variant is not present in population databases (gnomAD no frequency). This missense change has been observed in individual(s) with clinical features of myotonia congenita (Invitae). Advanced modeling of protein sequence and biophysical properties (such as structural, functional, and spatial information, amino acid conservation, physicochemical variation, residue mobility, and thermodynamic stability) has been performed at Invitae for this missense variant, however the output from this modeling did not meet the statistical confidence thresholds required to predict the impact of this variant on SCN4A protein function. This variant disrupts the p.Glu1702 amino acid residue in SCN4A. Other variant(s) that disrupt this residue have been determined to be pathogenic (PMID: 15534250, 32129495; Invitae). This suggests that this residue is clinically significant, and that variants that disrupt this residue are likely to be disease-causing. In summary, the available evidence is currently insufficient to determine the role of this variant in disease. Therefore, it has been classified as a Variant of Uncertain Significance.

Literature cited by the submitters: PubMed 15534250 (cited by Labcorp Genetics (formerly Invitae), Labcorp); PubMed 32129495 (cited by Labcorp Genetics (formerly Invitae), Labcorp).